The following is an entry in ClinVar:

NM_032119.4(ADGRV1):c.6908T>A (p.Leu2303Ter)

Gene: ADGRV1 (adhesion G protein-coupled receptor V1; plus strand). Cytogenetic location: 5q14.3.
Variant type: single nucleotide variant.
Coding change: c.6908T>A on transcript NM_032119.4 (MANE Select); coding-DNA position 6908, T replaced by A.
Protein change: p.Leu2303Ter; replaces leucine 2303 with a stop codon.
Molecular consequence: nonsense.
Genome position (GRCh38, 1-based): chr5:90,690,998, T>A. VCF-style: chr5-90690998-T-A. GRCh37 (hg19) VCF-style: chr5-89986815-T-A.
Other names: short protein forms L2303*.
Identifiers: ClinVar variation 2825667 (VCV002825667.3), dbSNP rs759707174, ClinGen allele CA360369590.
Genomic context (GRCh38, chr5:90,690,998, plus strand): 5'-GCGACCTGCGAGTTGTCTCAGGTAATGTGACCTTTGCCCCTGGGGAAACCATTCAAACCT[T>A]GTTGTTAGAGGTCCTGGCTGACGACGTTCCGGAGATTGAAGAGGTGAGAGGACTGGCTAG-3'

ClinVar aggregate classification (germline): Pathogenic (1 of 4 stars; one submission).

Submission:

Labcorp Genetics (formerly Invitae), Labcorp
Classification: Pathogenic. Last evaluated: 2023-01-01. Review status: criteria provided, single submitter. Criteria: Invitae Variant Classification Sherloc (09022015). Collection method: clinical testing. Allele origin: germline.
Comment: This sequence change creates a premature translational stop signal (p.Leu2303*) in the ADGRV1 gene. It is expected to result in an absent or disrupted protein product. Loss-of-function variants in ADGRV1 are known to be pathogenic (PMID: 19357117, 22135276, 22147658, 26226137, 30718709, 31047384, 32467589). For these reasons, this variant has been classified as Pathogenic. Algorithms developed to predict the effect of sequence changes on RNA splicing suggest that this variant may disrupt the consensus splice site. This variant has not been reported in the literature in individuals affected with ADGRV1-related conditions. This variant is not present in population databases (gnomAD no frequency).

Literature cited by the submitters: PubMed 19357117; PubMed 22135276; PubMed 22147658; PubMed 26226137; PubMed 30718709; PubMed 31047384; PubMed 32467589.